The following is an entry in ClinVar:

ClinVar aggregate classification (germline): Conflicting classifications of pathogenicity. Review status: criteria provided, conflicting classifications (1 of 4 stars). 5 submissions from 5 submitters: Uncertain significance (1); Benign (3); Likely benign (1). Last evaluated 2026-01-27.

Conditions:
Inborn genetic diseases. Identifiers: MedGen C0950123, MeSH D030342.

Allele frequency attached by ClinVar (database versions not stated): ExAC 0.00019; 1000 Genomes Project 0.00020; gnomAD exomes 0.00022 and 0.00048; ESP Exome Variant Server 0.00023; gnomAD 0.00023 and 0.00025; TOPMed 0.00024; 1000 Genomes Project 30x 0.00031.
gnomAD v4.1: 708 of 1,612,714 alleles (0.044%); highest among the groups gnomAD compares: Non-Finnish European, 0.058%; no homozygotes.

Submissions (5):

Labcorp Genetics (formerly Invitae), Labcorp
Classification: Benign. Last evaluated: 2026-01-27. Review status: criteria provided, single submitter. Criteria: Invitae Variant Classification Sherloc (09022015). Collection method: clinical testing. Allele origin: germline.

CeGaT Center for Human Genetics Tuebingen
Classification: Likely benign. Last evaluated: 2022-06-01. Review status: criteria provided, single submitter. Criteria: CeGaT Center For Human Genetics Tuebingen Variant Classification Criteria Version 2. Collection method: clinical testing. Allele origin: germline. Affected: yes. Observed: 1 variant allele.
Comment: ADNP: BP4

GeneDx
Classification: Benign. Last evaluated: 2020-04-01. Review status: criteria provided, single submitter. Criteria: GeneDx Variant Classification Process June 2021. Collection method: clinical testing. Allele origin: germline. Affected: yes.

Ambry Genetics
Classification: Uncertain significance for Inborn genetic diseases. Last evaluated: 2017-06-13. Review status: criteria provided, single submitter. Criteria: Ambry Variant Classification Scheme 2023. Collection method: clinical testing. Allele origin: germline.
Comment: The p.N1079S variant (also known as c.3236A>G), located in coding exon 3 of the ADNP gene, results from an A to G substitution at nucleotide position 3236. The asparagine at codon 1079 is replaced by serine, an amino acid with highly similar properties. This amino acid position is not well conserved in available vertebrate species. In addition, this alteration is predicted to be tolerated by in silico analysis. Since supporting evidence is limited at this time, the clinical significance of this alteration remains unclear.

Breakthrough Genomics
Classification: Benign. Review status: criteria provided, single submitter. Criteria: ACMG Guidelines, 2015. Collection method: not provided. Allele origin: germline. Inheritance: Autosomal dominant inheritance. Affected: yes.

NM_001282531.3(ADNP):c.3236A>G (p.Asn1079Ser)

Gene: ADNP (activity dependent neuroprotector homeobox; minus strand). Cytogenetic location: 20q13.13.
Variant type: single nucleotide variant.
Coding change: c.3236A>G on transcript NM_001282531.3 (MANE Select); coding-DNA position 3236, A replaced by G.
Protein change: p.Asn1079Ser; replaces asparagine 1079 with serine.
Molecular consequence: missense variant.
Genome position (GRCh38, 1-based): chr20:50,891,478, T>C on the plus strand (A>G on the coding strand, the complement: ADNP is on the minus strand). VCF-style: chr20-50891478-T-C. GRCh37 (hg19) VCF-style: chr20-49508015-T-C.
Other names: c.3236A>G, p.Asn1079Ser (NM_001282532.2, NM_001347511.2, NM_015339.5 and 1 more transcripts); short protein forms N1079S.
Identifiers: ClinVar variation 1237918 (VCV001237918.41), dbSNP rs147399432, ClinGen allele CA9908427.
Genomic context (GRCh38, chr20:50,891,478, plus strand): 5'-CTGCTCAGTTTAACTCCGGCTAAGCTGCCATGCATGGGCTCAGCTACTCCATCAGTCATG[T>C]TGTCAAACTGTTCCCCATCCTCACTGTCAATTGTGCTATTCTGCCACTCAATCTGGGGGT-3'
Protein context (NP_001269460.1, residues 1069-1089): IDSEDGEQFD[Asn1079Ser]MTDGVAEPMH